The following is an entry in ClinVar:

NM_001349798.2(FBXW7):c.502-2364A>G

Gene: FBXW7 (F-box and WD repeat domain containing 7; minus strand). Cytogenetic location: 4q31.3.
Variant type: single nucleotide variant.
Coding change: c.502-2364A>G on transcript NM_001349798.2 (MANE Select); 2364 bases into the intron before coding-DNA position 502, A replaced by G.
Molecular consequence: intron variant. On other transcripts: synonymous variant (1).
Genome position (GRCh38, 1-based): chr4:152,352,488, T>C on the plus strand (A>G on the coding strand, the complement: FBXW7 is on the minus strand). VCF-style: chr4-152352488-T-C. GRCh37 (hg19) VCF-style: chr4-153273640-T-C.
Other names: c.243A>G, p.Leu81= (NM_018315.5); c.148-2364A>G (NM_001013415.2); c.502-2364A>G (NM_033632.3).
Identifiers: ClinVar variation 3771053 (VCV003771053.13).
Genomic context (GRCh38, chr4:152,352,488, plus strand): 5'-CACACACAATCACATAGCATAGGAAGAAAACAGCTTACTTACTTTGTAAAAAATCATTTT[T>C]AATGTGCCGTAGAAACCCATATTTTCTGTATTTTTCCCCTTCAGTGATTCTGTGCCCCCG-3'

ClinVar aggregate classification (germline): Likely benign (1 of 4 stars; one submission).

gnomAD v4.1: 35 of 1,613,780 alleles (0.0022%); highest among the groups gnomAD compares: Middle Eastern, 0.033%; no homozygotes.

Submission:

CeGaT Center for Human Genetics Tuebingen
Classification: Likely benign. Last evaluated: 2025-01-01. Review status: criteria provided, single submitter. Criteria: CeGaT Center For Human Genetics Tuebingen Variant Classification Criteria Version 2. Collection method: clinical testing. Allele origin: germline. Affected: yes. Observed: 1 variant allele.
Comment: FBXW7: BP4, BP7